The following is an entry in ClinVar:

ClinVar aggregate classification (germline): Likely benign. Review status: criteria provided, multiple submitters, no conflicts (2 of 4 stars). 4 submissions from 4 submitters: Likely benign (3). 1 of the submissions does not count toward it. Last evaluated 2025-11-01.

Conditions:
Charcot-Marie-Tooth disease. Also called: Charcot-Marie-Tooth Hereditary Neuropathy; Charcot-Marie-Tooth Neuropathy. Identifiers: Orphanet 166, MedGen C0007959, MONDO:0015626.
Charcot-Marie-Tooth disease type 4. Also called: Charcot-Marie-Tooth disease, type IV; Charcot-Marie-Tooth, Type 4. Identifiers: Orphanet 64749, MedGen C4082197, MONDO:0018995.
MTMR2-related disorder. Also called: MTMR2-related condition.

Allele frequency attached by ClinVar (database versions not stated): gnomAD exomes 0.00004; TOPMed 0.00005; ExAC 0.00006; ESP Exome Variant Server 0.00008.
gnomAD v4.1: 71 of 1,567,860 alleles (0.0045%); highest among the groups gnomAD compares: Admixed American, 0.0067%; no homozygotes.

Submissions (4):

Labcorp Genetics (formerly Invitae), Labcorp
Classification: Likely benign for Charcot-Marie-Tooth disease type 4. Last evaluated: 2025-11-01. Review status: criteria provided, single submitter. Criteria: Invitae Variant Classification Sherloc (09022015). Collection method: clinical testing. Allele origin: germline.

GeneDx
Classification: Likely benign. Last evaluated: 2017-10-19. Review status: criteria provided, single submitter. Criteria: GeneDx Variant Classification (06012015). Collection method: clinical testing. Allele origin: germline. Affected: yes.
Comment: This variant is considered likely benign or benign based on one or more of the following criteria: it is a conservative change, it occurs at a poorly conserved position in the protein, it is predicted to be benign by multiple in silico algorithms, and/or has population frequency not consistent with disease.

Molecular Genetics Laboratory, London Health Sciences Centre
Classification: Likely benign for Charcot-Marie-Tooth disease. Review status: criteria provided, single submitter. Criteria: ACMG Guidelines, 2015. Collection method: clinical testing. Allele origin: germline. Affected: yes.

PreventionGenetics, part of Exact Sciences
Classification: Likely benign for MTMR2-related condition. Last evaluated: 2022-02-11. Review status: no assertion criteria provided. Collection method: clinical testing. Allele origin: germline. Not counted in ClinVar's aggregate classification.
Comment: This variant is classified as likely benign based on ACMG/AMP sequence variant interpretation guidelines (Richards et al. 2015 PMID: 25741868, with internal and published modifications).

NM_016156.6(MTMR2):c.186+9A>G

Gene: MTMR2 (myotubularin related protein 2; minus strand). Cytogenetic location: 11q21.
Variant type: single nucleotide variant.
Coding change: c.186+9A>G on transcript NM_016156.6 (MANE Select); 9 bases into the intron after coding-DNA position 186, A replaced by G.
Molecular consequence: intron variant.
Genome position (GRCh38, 1-based): chr11:95,888,147, T>C on the plus strand (A>G on the coding strand, the complement: MTMR2 is on the minus strand). VCF-style: chr11-95888147-T-C. GRCh37 (hg19) VCF-style: chr11-95621311-T-C.
Other names: c.-31+9A>G (NM_201281.3); c.-154+9A>G (NM_201278.3); c.-227+9A>G (NM_001243571.2).
Identifiers: ClinVar variation 512786 (VCV000512786.11), dbSNP rs371081575, ClinGen allele CA6240447.
Genomic context (GRCh38, chr11:95,888,147, plus strand): 5'-TATTGATAGTGTTGGCCACAAATATTTAACAGAAAGTACTTCATCAGAACTTTAAAATAG[T>C]ATACATACCCTCAAATCAGGAGAAAAGTTGTCGGCAGAAGTTGAAATGGAATCTGATGAT-3'